The following is an entry in ClinVar:

NM_032119.4(ADGRV1):c.5623G>A (p.Gly1875Arg)

Gene: ADGRV1 (adhesion G protein-coupled receptor V1; plus strand). Cytogenetic location: 5q14.3.
Variant type: single nucleotide variant.
Coding change: c.5623G>A on transcript NM_032119.4 (MANE Select); coding-DNA position 5623, G replaced by A.
Protein change: p.Gly1875Arg; replaces glycine 1875 with arginine.
Molecular consequence: missense variant. On other transcripts: non-coding transcript variant (1).
Genome position (GRCh38, 1-based): chr5:90,681,413, G>A. VCF-style: chr5-90681413-G-A. GRCh37 (hg19) VCF-style: chr5-89977230-G-A.
Other names: short protein forms G1875R.
Identifiers: ClinVar variation 163577 (VCV000163577.9), dbSNP rs727503075, ClinGen allele CA176195.

ClinVar aggregate classification (germline): Conflicting classifications of pathogenicity. Review status: criteria provided, conflicting classifications (1 of 4 stars). 2 submissions from 2 submitters: Uncertain significance (1); Likely benign (1). Last evaluated 2025-10-25.

Allele frequency attached by ClinVar (database versions not stated): gnomAD exomes 0.00002 and 0.00003; TOPMed 0.00002; ExAC 0.00003; gnomAD 0.00003.
gnomAD v4.1: 49 of 1,613,656 alleles (0.003%); highest among the groups gnomAD compares: Non-Finnish European, 0.0042%; no homozygotes.

Submissions (2):

Labcorp Genetics (formerly Invitae), Labcorp
Classification: Likely benign. Last evaluated: 2025-10-25. Review status: criteria provided, single submitter. Criteria: Invitae Variant Classification Sherloc (09022015). Collection method: clinical testing. Allele origin: germline.

Laboratory for Molecular Medicine, Mass General Brigham Personalized Medicine
Classification: Uncertain significance. Last evaluated: 2014-03-17. Review status: criteria provided, single submitter. Criteria: LMM Criteria. Collection method: clinical testing. Allele origin: germline. Observed: 1 variant allele.
Comment: The Gly1875Arg variant in GPR98 has not been previously reported in individuals with hearing loss and was absent from large population studies. Computational pr ediction tools and conservation analyses suggest that the Gly1875Arg variant may impact the protein, though this information is not predictive enough to determi ne pathogenicity. In summary, additional information is needed to determine the clinical significance of this variant.